The following is an entry in ClinVar:

Conditions:
Long QT syndrome 5 (LQT5). Identifiers: Orphanet 101016, Orphanet 768, MedGen C1867904, MONDO:0013372, OMIM 613695.

Submission:

Roden Lab, Vanderbilt University Medical Center
No classification provided (evidence only). Condition: Long QT syndrome 5. Review status: no classification provided. Collection method: in vitro. Allele origin: not applicable. Functional consequence: Effect on ion channel function.
ClinVar note: "not provided" was previously submitted as the classification for the variant. However, the classification appeared to be based only on an observation of functional data so it was converted to no classification on 2025-07-30.

NM_000219.6(KCNE1):c.90G>C (p.Leu30=)

Gene: KCNE1 (potassium voltage-gated channel subfamily E regulatory subunit 1; minus strand). Cytogenetic location: 21q22.12.
Variant type: single nucleotide variant.
Coding change: c.90G>C on transcript NM_000219.6 (MANE Select); coding-DNA position 90, G replaced by C.
Protein change: p.Leu30=; no amino-acid change (leucine 30 retained).
Molecular consequence: synonymous variant.
Genome position (GRCh38, 1-based): chr21:34,449,545, C>G on the plus strand (G>C on the coding strand, the complement: KCNE1 is on the minus strand). VCF-style: chr21-34449545-C-G. GRCh37 (hg19) VCF-style: chr21-35821843-C-G.
Other names: c.90G>C, p.Leu30= (NM_001127668.4, NM_001127669.4, NM_001127670.4 and 4 more transcripts).
Identifiers: ClinVar variation 3374021 (VCV003374021.2).